The following is an entry in ClinVar:

ClinVar aggregate classification (germline): Uncertain significance (1 of 4 stars; one submission).

Conditions:
Neurodegeneration with brain iron accumulation 6 (NBIA6). Also called: COASY protein-associated neurodegeneration. Identifiers: Orphanet 397725, MedGen C4517377, MONDO:0014290, OMIM 615643.

Allele frequency attached by ClinVar (database versions not stated): gnomAD exomes 0.00001 and 0.00003; TOPMed 0.00004; gnomAD 0.00005 and 0.00006; ExAC 0.00006; ESP Exome Variant Server 0.00008.

Submission:

Labcorp Genetics (formerly Invitae), Labcorp
Classification: Uncertain significance for Neurodegeneration with brain iron accumulation 6. Last evaluated: 2022-08-31. Review status: criteria provided, single submitter. Criteria: Invitae Variant Classification Sherloc (09022015). Collection method: clinical testing. Allele origin: germline.
Comment: This sequence change replaces alanine, which is neutral and non-polar, with threonine, which is neutral and polar, at codon 276 of the COASY protein (p.Ala276Thr). This variant is present in population databases (rs374954180, gnomAD 0.02%). This variant has not been reported in the literature in individuals affected with COASY-related conditions. ClinVar contains an entry for this variant (Variation ID: 1467495). Algorithms developed to predict the effect of missense changes on protein structure and function are either unavailable or do not agree on the potential impact of this missense change (SIFT: "Tolerated"; PolyPhen-2: "Possibly Damaging"; Align-GVGD: "Class C0"). In summary, the available evidence is currently insufficient to determine the role of this variant in disease. Therefore, it has been classified as a Variant of Uncertain Significance.

NM_025233.7(COASY):c.826G>A (p.Ala276Thr)

Gene: COASY (Coenzyme A synthase; plus strand). Cytogenetic location: 17q21.2.
Variant type: single nucleotide variant.
Coding change: c.826G>A on transcript NM_025233.7 (MANE Select); coding-DNA position 826, G replaced by A.
Protein change: p.Ala276Thr; replaces alanine 276 with threonine.
Molecular consequence: missense variant.
Genome position (GRCh38, 1-based): chr17:42,564,086, G>A. VCF-style: chr17-42564086-G-A. GRCh37 (hg19) VCF-style: chr17-40716104-G-A.
Other names: c.826G>A, p.Ala276Thr (NM_001042529.3); c.913G>A, p.Ala305Thr (NM_001042532.4); short protein forms A276T, A305T.
Identifiers: ClinVar variation 1467495 (VCV001467495.5), dbSNP rs374954180, ClinGen allele CA8578071.